The following is an entry in ClinVar:

ClinVar aggregate classification (germline): Uncertain significance. Review status: criteria provided, multiple submitters, no conflicts (2 of 4 stars). 2 submissions from 2 submitters: Uncertain significance (2). Last evaluated 2023-08-14.

Conditions:
Inborn genetic diseases. Identifiers: MedGen C0950123, MeSH D030342.
Epidermolysis bullosa simplex 3, localized or generalized intermediate, with BP230 deficiency (EBS3). Also called: Epidermolysis bullosa simplex, autosomal recessive 2; Epidermolysis bullosa simplex due to BP230 deficiency. Identifiers: Orphanet 412181, MedGen C3809470, MONDO:0014180, OMIM 615425.
Hereditary sensory and autonomic neuropathy type 6. Also called: Neuropathy, hereditary sensory and autonomic, type VI; HSAN VI. Identifiers: Orphanet 314381, MedGen C3539003, MONDO:0013839, OMIM 614653.

Allele frequency attached by ClinVar (database versions not stated): gnomAD exomes 0.00001 and 0.00003; ExAC 0.00002; gnomAD 0.00005; TOPMed 0.00005; ESP Exome Variant Server 0.00025.
gnomAD v4.1: 42 of 1,599,444 alleles (0.0026%); highest among the groups gnomAD compares: Non-Finnish European, 0.0036%; no homozygotes.

Submissions (2):

Ambry Genetics
Classification: Uncertain significance for Inborn genetic diseases. Last evaluated: 2023-08-14. Review status: criteria provided, single submitter. Criteria: Ambry Variant Classification Scheme 2023. Collection method: clinical testing. Allele origin: germline.

Labcorp Genetics (formerly Invitae), Labcorp
Classification: Uncertain significance for Epidermolysis bullosa simplex 3, localized or generalized intermediate, with BP230 deficiency; Hereditary sensory and autonomic neuropathy type 6. Last evaluated: 2022-07-19. Review status: criteria provided, single submitter. Criteria: Invitae Variant Classification Sherloc (09022015). Collection method: clinical testing. Allele origin: germline.
Comment: The DST gene has multiple clinically relevant transcripts. This variant occurs in alternate transcript NM_015548.4, and corresponds to NM_001723.5:c.*42748C>T in the primary transcript. This sequence change replaces threonine, which is neutral and polar, with isoleucine, which is neutral and non-polar, at codon 1888 of the DST protein (p.Thr1888Ile). The frequency data for this variant in the population databases is considered unreliable, as metrics indicate poor data quality at this position in the gnomAD database. This variant has not been reported in the literature in individuals affected with DST-related conditions. Experimental studies and prediction algorithms are not available or were not evaluated, and the functional significance of this variant is currently unknown. In summary, the available evidence is currently insufficient to determine the role of this variant in disease. Therefore, it has been classified as a Variant of Uncertain Significance.

NM_001374736.1(DST):c.13532C>T (p.Thr4511Ile)

Gene: DST (dystonin; minus strand). Cytogenetic location: 6p12.1.
Variant type: single nucleotide variant.
Coding change: c.13532C>T on transcript NM_001374736.1 (MANE Select); coding-DNA position 13532, C replaced by T.
Protein change: p.Thr4511Ile; replaces threonine 4511 with isoleucine.
Molecular consequence: missense variant.
Genome position (GRCh38, 1-based): chr6:56,572,769, G>A on the plus strand (C>T on the coding strand, the complement: DST is on the minus strand). VCF-style: chr6-56572769-G-A. GRCh37 (hg19) VCF-style: chr6-56437567-G-A.
Other names: c.7175C>T, p.Thr2392Ile (NM_001144769.5); c.6761C>T, p.Thr2254Ile (NM_001144770.2); c.13532C>T, p.Thr4511Ile (NM_001374722.1); c.12899C>T, p.Thr4300Ile (NM_001374729.1); c.6641C>T, p.Thr2214Ile (NM_001374730.1, NM_183380.4); c.13559C>T, p.Thr4520Ile (NM_001374734.1); c.5663C>T, p.Thr1888Ile (NM_015548.5); c.7175C>T (NM_001144769.2); short protein forms T1888I, T4300I, T2214I, T2254I, T4520I, T2392I, T4511I.
Identifiers: ClinVar variation 968658 (VCV000968658.6), dbSNP rs200621004, ClinGen allele CA3868207.